The following is an entry in ClinVar:

NM_001077365.2(POMT1):c.840C>A (p.Phe280Leu)

Gene: POMT1 (protein O-mannosyltransferase 1; plus strand). Cytogenetic location: 9q34.13.
Variant type: single nucleotide variant.
Coding change: c.840C>A on transcript NM_001077365.2 (MANE Select); coding-DNA position 840, C replaced by A.
Protein change: p.Phe280Leu; replaces phenylalanine 280 with leucine.
Molecular consequence: missense variant. On other transcripts: 5 prime UTR variant (1), non-coding transcript variant (10).
Genome position (GRCh38, 1-based): chr9:131,510,400, C>A. VCF-style: chr9-131510400-C-A. GRCh37 (hg19) VCF-style: chr9-134385787-C-A.
Other names: c.-297C>A (NM_001411024.1); c.906C>A, p.Phe302Leu (NM_007171.4, NM_001353193.2); c.744C>A, p.Phe248Leu (NM_001353197.2, NM_001353198.2); c.555C>A, p.Phe185Leu (NM_001353199.2); c.384C>A, p.Phe128Leu (NM_001353200.2); c.823C>A, p.Pro275Thr (NM_001374689.1); c.840C>A, p.Phe280Leu (NM_001374690.1, NM_001136113.2); c.489C>A, p.Phe163Leu (NM_001374691.1, NM_001374692.1, NM_001136114.2 and 1 more transcripts); and 3 more; short protein forms F185L, F250L, F248L, F280L, F128L, F150L, F163L, F302L.
Identifiers: ClinVar variation 4793213 (VCV004793213.1).
Genomic context (GRCh38, chr9:131,510,400, plus strand): 5'-CGTCCACTTGATTCTAGTCTTCCGCTCTGGGCCCCACGACCAAATCATGTCCAGTGCCTT[C>A]CAGGCCAGCTTAGAGGTAAGTAAGCAGTGGGCATCGTGGCCACTGGAGAAGGAAGATGAT-3'
Protein context (NP_001070833.1, residues 270-290): GPHDQIMSSA[Phe280Leu]QASLEGGLAR

ClinVar aggregate classification (germline): Uncertain significance (1 of 4 stars; one submission).

Conditions:
Walker-Warburg congenital muscular dystrophy. Also called: Muscular dystrophy-dystroglycanopathy, type A; Walker-Warburg syndrome. Identifiers: Orphanet 899, MedGen C0265221, MONDO:0000171.
Muscular dystrophy-dystroglycanopathy (congenital with impaired intellectual development), type B, 1. Also called: MUSCULAR DYSTROPHY, CONGENITAL, POMT1-RELATED; Muscular dystrophy-dystroglycanopathy (congenital with intellectual disability), type B1. Identifiers: MedGen C5436962, MONDO:0013159, OMIM 613155.
Autosomal recessive limb-girdle muscular dystrophy type 2K. Also called: MUSCULAR DYSTROPHY-DYSTROGLYCANOPATHY (LIMB-GIRDLE), TYPE C, 1; MUSCULAR DYSTROPHY, LIMB-GIRDLE, TYPE 2K. Identifiers: Orphanet 86812, MedGen C1836373, MONDO:0012248, OMIM 609308.

gnomAD v4.1: 7 of 1,614,210 alleles (0.00043%); highest among the groups gnomAD compares: Non-Finnish European, 0.00051%; no homozygotes.

Submission:

Labcorp Genetics (formerly Invitae), Labcorp
Classification: Uncertain significance for Muscular dystrophy-dystroglycanopathy (congenital with impaired intellectual development), type B, 1; Walker-Warburg congenital muscular dystrophy; Autosomal recessive limb-girdle muscular dystrophy type 2K. Last evaluated: 2025-03-27. Review status: criteria provided, single submitter. Criteria: Invitae Variant Classification Sherloc (09022015). Collection method: clinical testing. Allele origin: germline.
Comment: This sequence change replaces phenylalanine, which is neutral and non-polar, with leucine, which is neutral and non-polar, at codon 302 of the POMT1 protein (p.Phe302Leu). This variant is not present in population databases (gnomAD no frequency). This variant has not been reported in the literature in individuals affected with POMT1-related conditions. Invitae Evidence Modeling of protein sequence and biophysical properties (such as structural, functional, and spatial information, amino acid conservation, physicochemical variation, residue mobility, and thermodynamic stability) has been performed for this missense variant. However, the output from this modeling did not meet the statistical confidence thresholds required to predict the impact of this variant on POMT1 protein function. In summary, the available evidence is currently insufficient to determine the role of this variant in disease. Therefore, it has been classified as a Variant of Uncertain Significance.